The following is an entry in ClinVar:

ClinVar aggregate classification (germline): Uncertain significance (1 of 4 stars; one submission).

gnomAD v4.1: 19 of 1,612,862 alleles (0.0012%); highest among the groups gnomAD compares: East Asian, 0.0067%; no homozygotes.

Submission:

GeneDx
Classification: Uncertain significance. Last evaluated: 2026-04-20. Review status: criteria provided, single submitter. Criteria: GeneDx Variant Classification Process June 2021. Collection method: clinical testing. Allele origin: germline.
Comment: In silico analysis suggests that this missense variant does not alter protein structure/function; Has not been previously published as pathogenic or benign to our knowledge

NM_025191.4(EDEM3):c.469G>A (p.Gly157Ser)

Gene: EDEM3 (ER degradation enhancing alpha-mannosidase like protein 3; minus strand). Cytogenetic location: 1q25.3.
Variant type: single nucleotide variant.
Coding change: c.469G>A on transcript NM_025191.4 (MANE Select); coding-DNA position 469, G replaced by A.
Protein change: p.Gly157Ser; replaces glycine 157 with serine.
Molecular consequence: missense variant. On other transcripts: non-coding transcript variant (1).
Genome position (GRCh38, 1-based): chr1:184,732,980, C>T on the plus strand (G>A on the coding strand, the complement: EDEM3 is on the minus strand). VCF-style: chr1-184732980-C-T. GRCh37 (hg19) VCF-style: chr1-184702114-C-T.
Other names: c.469G>A, p.Gly157Ser (NM_001319960.2); short protein forms G157S.
Identifiers: ClinVar variation 5037199 (VCV005037199.1).